The following is an entry in ClinVar:

ClinVar aggregate classification (germline): Uncertain significance (1 of 4 stars; one submission).

Conditions:
Familial thoracic aortic aneurysm and aortic dissection (TAAD). Also called: Thoracic aortic aneurysms and dissections. Identifiers: Orphanet 91387, MedGen C4707243, MONDO:0019625.

Submission:

Ambry Genetics
Classification: Uncertain significance for Familial thoracic aortic aneurysm and aortic dissection. Last evaluated: 2021-12-03. Review status: criteria provided, single submitter. Criteria: Ambry Variant Classification Scheme 2023. Collection method: clinical testing. Allele origin: germline.
Comment: The p.F1221V variant (also known as c.3661T>G), located in coding exon 26 of the MED12 gene, results from a T to G substitution at nucleotide position 3661. The phenylalanine at codon 1221 is replaced by valine, an amino acid with highly similar properties. This amino acid position is conserved. In addition, the in silico prediction for this alteration is inconclusive. Since supporting evidence is limited at this time, the clinical significance of this alteration remains unclear.

NM_005120.3(MED12):c.3661T>G (p.Phe1221Val)

Gene: MED12 (mediator complex subunit 12; plus strand). Cytogenetic location: Xq13.1.
Variant type: single nucleotide variant.
Coding change: c.3661T>G on transcript NM_005120.3 (MANE Select); coding-DNA position 3661, T replaced by G.
Protein change: p.Phe1221Val; replaces phenylalanine 1221 with valine.
Molecular consequence: missense variant.
Genome position (GRCh38, 1-based): chrX:71,129,399, T>G. VCF-style: chrX-71129399-T-G. GRCh37 (hg19) VCF-style: chrX-70349249-T-G.
Other names: short protein forms F1221V.
Identifiers: ClinVar variation 1733700 (VCV001733700.2), dbSNP rs2147806020, ClinGen allele CA413520383.